The following is an entry in ClinVar:

ClinVar aggregate classification (germline): Pathogenic (1 of 4 stars; one submission).

Submission:

Labcorp Genetics (formerly Invitae), Labcorp
Classification: Pathogenic. Last evaluated: 2022-06-13. Review status: criteria provided, single submitter. Criteria: Invitae Variant Classification Sherloc (09022015). Collection method: clinical testing. Allele origin: germline.
Comment: For these reasons, this variant has been classified as Pathogenic. This variant has not been reported in the literature in individuals affected with PPP3CA-related conditions. This variant is a gross deletion of the genomic region encompassing exon(s) 1-8 of the PPP3CA gene, which includes the initiator codon. This deletion extends beyond the assayed region for this gene and therefore may encompass additional genes. It is expected to result in an absent or disrupted protein product. Loss-of-function variants in PPP3CA are known to be pathogenic (PMID: 28942967, 29432562, 30455226, 30951195).

Literature cited by the submitters: PubMed 28942967; PubMed 29432562; PubMed 30455226; PubMed 30951195.

NC_000004.11:g.(?_102001669)_(103806607_?)del

Genes: BANK1 (B cell scaffold protein with ankyrin repeats 1; plus strand), CISD2 (CDGSH iron sulfur domain 2; plus strand), MANBA (mannosidase beta; minus strand), NFKB1 (nuclear factor kappa B subunit 1; plus strand), PPP3CA (protein phosphatase 3 catalytic subunit alpha; minus strand) and 3 more. Cytogenetic location: 4q24.
Variant type: Deletion.
Identifiers: ClinVar variation 2423442 (VCV002423442.4).